The following is an entry in ClinVar:

ClinVar aggregate classification (germline): Pathogenic. Review status: criteria provided, multiple submitters, no conflicts (2 of 4 stars). 2 submissions from 2 submitters: Pathogenic (2). Last evaluated 2018-07-03.

Conditions:
CACNA1C-related disorder. Also called: CACNA1C-related disorders; CACNA1C-related condition. Identifiers: MedGen CN381092, MONDO:0700321.

Submissions (2):

GeneDx
Classification: Pathogenic. Last evaluated: 2018-07-03. Review status: criteria provided, single submitter. Criteria: GeneDx Variant Classification (06012015). Collection method: clinical testing. Allele origin: germline. Affected: yes.
Comment: p.Gly406Arg (GGA>CGA): c.1216 G>C in exon 8 of the CACNA1C gene (NM_001167625.1). The Gly406Arg mutation in the CACNA1C gene has been reported in association with Timothy syndrome (Splawski I et al., 2004; Yarotskyy V et al., 2009). Splawski et al. reported Gly406Arg as a de novo mutation in 11 unrelated individuals with Timothy syndrome and additionally in two siblings that inherited Gly406Arg as a result of germline mosaicism (Splawski I et al., 2004). In this same study, Gly406Arg was absent in 360 control alleles and expression of the CACNA1C gene was found in multiple tissue types that correlate to the organ systems affected in Timothy syndrome. Furthermore, the Gly406 residue is highly conserved across species and functional studies identified that Gly406Arg has a significant effect on calcium ion channel currents leading to action potential prolongation (Splawski I et al., 2004). Moreover, the NHLBI Exome Variant Server reports Gly406Arg was not observed in approximately 6,000 samples from individuals of European and African American backgrounds, indicating it is not a common benign variant in these populations.In summary, Gly406Arg in the CACNA1C gene is interpreted as a disease-causing mutation. The variant is found in LQT panel(s).

Blueprint Genetics
Classification: Pathogenic for CACNA1C-related disorders. Last evaluated: 2018-05-22. Review status: criteria provided, single submitter. Criteria: ACMG Guidelines, 2015. Collection method: clinical testing. Allele origin: germline. Affected: yes. Observed: 1 variant allele.

NM_001167623.2(CACNA1C):c.1216G>C (p.Gly406Arg)

Gene: CACNA1C (calcium voltage-gated channel subunit alpha1 C; plus strand). Cytogenetic location: 12p13.33.
Variant type: single nucleotide variant.
Coding change: c.1216G>C on transcript NM_001167623.2 (MANE Plus Clinical); coding-DNA position 1216, G replaced by C.
Protein change: p.Gly406Arg; replaces glycine 406 with arginine.
Molecular consequence: missense variant. On other transcripts: intron variant (19).
Genome position (GRCh38, 1-based): chr12:2,504,538, G>C. VCF-style: chr12-2504538-G-C. GRCh37 (hg19) VCF-style: chr12-2613704-G-C.
Other names: p.G406R:GGA>CGA; c.1216G>C, p.Gly406Arg (NM_001129840.2, NM_001167624.3, NM_001167625.2); c.1114-304G>C (NM_199460.4, NM_001129827.2, NM_001129832.2 and 15 more transcripts); c.1105-304G>C (NM_001129844.2); short protein forms G406R.
Identifiers: ClinVar variation 190634 (VCV000190634.3), dbSNP rs786205745, ClinGen allele CA301245.